The following is an entry in ClinVar:

NM_001429.4(EP300):c.3039_3043del (p.Glu1014fs)

Genes: EP300 (E1A binding protein p300; plus strand), LOC126863158 (BRD4-independent group 4 enhancer GRCh37_chr22:41547383-41548582; plus strand). Cytogenetic location: 22q13.2.
Variant type: Deletion.
Coding change: c.3039_3043del on transcript NM_001429.4 (MANE Select); coding-DNA positions 3039 to 3043, 5 bases deleted (AGAGA; older notation c.3039_3043delAGAGA).
Protein change: p.Glu1014fs; shifts the reading frame from glutamic acid 1014.
Molecular consequence: frameshift variant.
Genome position (GRCh38, 1-based): chr22:41,152,247-41,152,251, AGAGA deleted; deleting any 5 consecutive bases within chr22:41,152,244-41,152,251 gives the same sequence; the c. name uses the placement nearest the transcript's 3' end. VCF-style (leftmost placement, unchanged base first): chr22-41152243-CAGAAG-C. GRCh37 (hg19) VCF-style: chr22-41548247-CAGAAG-C.
Other names: c.2961_2965del, p.Glu988fs (NM_001362843.2); short protein forms E988fs, E1014fs.
Identifiers: ClinVar variation 817350 (VCV000817350.1), dbSNP rs1601621480, ClinGen allele CA915951503.

ClinVar aggregate classification (germline): Pathogenic (1 of 4 stars; one submission).

Submission:

GeneDx
Classification: Pathogenic. Last evaluated: 2018-12-27. Review status: criteria provided, single submitter. Criteria: GeneDx Variant Classification (06012015). Collection method: clinical testing. Allele origin: germline. Affected: yes.
Comment: The c.3039_3043delAGAGA variant in the EP300 gene has not been reported previously as a pathogenic variant nor as a benign variant, to our knowledge. The c.3039_3043delAGAGA variant causes a frameshift starting with codon Glutamic acid 1014, changes this amino acid to a Lysine residue, and creates a premature Stop codon at position three of the new reading frame, denoted p.Glu1014LysfsX3. This variant is predicted to cause loss of normal protein function either through protein truncation or nonsense-mediated mRNA decay. The c.3039_3043delAGAGA variant is not observed in large population cohorts (Lek et al., 2016). We interpret c.3039_3043delAGAGA as a pathogenic variant.